The following is an entry in ClinVar:

ClinVar aggregate classification (germline): Uncertain significance (1 of 4 stars; one submission).

Conditions:
Argininosuccinate lyase deficiency. Also called: ARGININOSUCCINIC ACID LYASE DEFICIENCY; ASL DEFICIENCY; Argininosuccinic aciduria. Identifiers: Orphanet 23, MedGen C0268547, MONDO:0008815, OMIM 207900, HP:0025630.

Allele frequency attached by ClinVar (database versions not stated): TOPMed below 0.00001.

Submission:

Labcorp Genetics (formerly Invitae), Labcorp
Classification: Uncertain significance for Argininosuccinate lyase deficiency. Last evaluated: 2022-10-24. Review status: criteria provided, single submitter. Criteria: Invitae Variant Classification Sherloc (09022015). Collection method: clinical testing. Allele origin: germline.
Comment: In summary, the available evidence is currently insufficient to determine the role of this variant in disease. Therefore, it has been classified as a Variant of Uncertain Significance. This sequence change replaces alanine, which is neutral and non-polar, with glutamic acid, which is acidic and polar, at codon 147 of the ASL protein (p.Ala147Glu). This variant is not present in population databases (gnomAD no frequency). This variant has not been reported in the literature in individuals affected with ASL-related conditions. Advanced modeling of protein sequence and biophysical properties (such as structural, functional, and spatial information, amino acid conservation, physicochemical variation, residue mobility, and thermodynamic stability) performed at Invitae indicates that this missense variant is expected to disrupt ASL protein function.

NM_000048.4(ASL):c.440C>A (p.Ala147Glu)

Gene: ASL (argininosuccinate lyase; plus strand). Cytogenetic location: 7q11.21.
Variant type: single nucleotide variant.
Coding change: c.440C>A on transcript NM_000048.4 (MANE Select); coding-DNA position 440, C replaced by A.
Protein change: p.Ala147Glu; replaces alanine 147 with glutamic acid.
Molecular consequence: missense variant.
Genome position (GRCh38, 1-based): chr7:66,083,168, C>A. VCF-style: chr7-66083168-C-A. GRCh37 (hg19) VCF-style: chr7-65548155-C-A.
Other names: c.440C>A, p.Ala147Glu (NM_001024943.2, NM_001024944.2, NM_001024946.2); short protein forms A147E.
Identifiers: ClinVar variation 1438005 (VCV001438005.6), dbSNP rs1786561465, ClinGen allele CA367639545.